The following is an entry in ClinVar:

NM_017433.5(MYO3A):c.2506-1G>A

Gene: MYO3A (myosin IIIA; plus strand). Cytogenetic location: 10p12.1.
Variant type: single nucleotide variant.
Coding change: c.2506-1G>A on transcript NM_017433.5 (MANE Select); the canonical splice acceptor site of the intron before coding-DNA position 2506, G replaced by A.
Molecular consequence: splice acceptor variant.
Genome position (GRCh38, 1-based): chr10:26,147,429, G>A. VCF-style: chr10-26147429-G-A. GRCh37 (hg19) VCF-style: chr10-26436358-G-A.
Other names: c.2506-1G>A (NM_017433.4).
Identifiers: ClinVar variation 288758 (VCV000288758.23), dbSNP rs201023600, ClinGen allele CA5444987.

ClinVar aggregate classification (germline): Conflicting classifications of pathogenicity. Review status: criteria provided, conflicting classifications (1 of 4 stars). 8 submissions from 8 submitters: Pathogenic (3); Likely pathogenic (4); Uncertain significance (1). Last evaluated 2026-03-06.

Conditions:
Autosomal recessive nonsyndromic hearing loss 30. Identifiers: Orphanet 90636, MedGen C1846784, MONDO:0011774, OMIM 607101.
MYO3A-related disorder. Also called: MYO3A-related condition.

Allele frequency attached by ClinVar (database versions not stated): TOPMed 0.00016; gnomAD 0.00018 and 0.00019; gnomAD exomes 0.00020; ExAC 0.00021; ESP Exome Variant Server 0.00023.
gnomAD v4.1: 568 of 1,611,598 alleles (0.035%); highest among the groups gnomAD compares: Non-Finnish European, 0.044%; no homozygotes.

Submissions (8):

PreventionGenetics, part of Exact Sciences
Classification: Likely pathogenic for MYO3A-related condition. Last evaluated: 2026-03-06. Review status: criteria provided, single submitter. Criteria: ACMG Guidelines, 2015. Collection method: clinical testing. Allele origin: germline.
Comment: The MYO3A c.2506-1G>A variant is predicted to disrupt the AG splice acceptor site and interfere with normal splicing. To our knowledge, this variant has not been reported in a patient with a MYO3A related disorder. This variant is reported in 0.038% of alleles in individuals of European (Non-Finnish) descent in gnomAD. Variants that disrupt the consensus splice acceptor site in MYO3A are expected to be pathogenic. This variant is interpreted as likely pathogenic.

3billion
Classification: Pathogenic for Autosomal recessive nonsyndromic hearing loss 30. Last evaluated: 2025-12-16. Review status: criteria provided, single submitter. Criteria: ACMG Guidelines, 2015. Collection method: clinical testing. Allele origin: germline. Affected: yes.
Comment: The variant is observed at an extremely low frequency in the gnomAD v4.1.0 dataset (total allele frequency: 0.035%). Predicted Consequence/Location: Canonical splice site: predicted to alter splicing and result in a loss or disruption of normal protein function. Multiple pathogenic loss-of-function variants are reported downstream of the variant. In silico tools predict the variant to alter splicing and produce an abnormal transcript [SpliceAI: 0.84 (spliceogenicity >=0.2, non-spliceogenicity <0.1)]. The variant has been reported at least twice as pathogenic with clinical assertions and evidence for the classification (ClinVar ID: VCV000288758 /PMID: 31589614). Therefore, this variant is classified as Pathogenic according to the recommendation of ACMG/AMP guideline.

GeneDx
Classification: Pathogenic. Last evaluated: 2025-10-04. Review status: criteria provided, single submitter. Criteria: GeneDx Variant Classification Process June 2021. Collection method: clinical testing. Allele origin: germline. Affected: yes.
Comment: Reported in a patient with nonsyndromic progressive deafness (Ruiz Robles 2021 [abstract]); Canonical splice site variant predicted to result in a null allele in a gene for which loss of function is a known mechanism of disease; This variant is associated with the following publications: (PMID: 31589614, 34493867, RuizRobles2023[absract])

Labcorp Genetics (formerly Invitae), Labcorp
Classification: Likely pathogenic. Last evaluated: 2025-07-31. Review status: criteria provided, single submitter. Criteria: Invitae Variant Classification Sherloc (09022015). Collection method: clinical testing. Allele origin: germline.
Comment: This sequence change affects an acceptor splice site in intron 22 of the MYO3A gene. It is expected to disrupt RNA splicing. Variants that disrupt the donor or acceptor splice site typically lead to a loss of protein function (PMID: 16199547), and loss-of-function variants in MYO3A are known to be pathogenic (PMID: 12032315, 23990876). This variant is present in population databases (rs201023600, gnomAD 0.04%). This variant has not been reported in the literature in individuals affected with MYO3A-related conditions. ClinVar contains an entry for this variant (Variation ID: 288758). Algorithms developed to predict the effect of sequence changes on RNA splicing suggest that this variant may disrupt the consensus splice site. In summary, the currently available evidence indicates that the variant is pathogenic, but additional data are needed to prove that conclusively. Therefore, this variant has been classified as Likely Pathogenic.

Blueprint Genetics
Classification: Likely pathogenic for MYO3A-related disorders. Last evaluated: 2024-11-26. Review status: criteria provided, single submitter. Criteria: ACMG Guidelines, 2015. Collection method: clinical testing. Allele origin: germline. Affected: yes. Observed: 5 variant alleles.

Women's Health and Genetics/Laboratory Corporation of America, LabCorp
Classification: Likely pathogenic for Autosomal recessive nonsyndromic hearing loss 30. Last evaluated: 2024-09-10. Review status: criteria provided, single submitter. Criteria: LabCorp Variant Classification Summary - May 2015. Collection method: clinical testing. Allele origin: germline.
Comment: Variant summary: MYO3A c.2506-1G>A is located in a canonical splice-site and is predicted to affect mRNA splicing resulting in a significantly altered protein due to either exon skipping, shortening, or inclusion of intronic material. Variants that disrupt the consensus splice site are a relatively common cause of aberrant splicing and loss of MYO3A function. Several computational tools predict a significant impact on normal splicing: Three predict the variant abolishes a 3' acceptor site. However, these predictions have yet to be confirmed by functional studies. The variant allele was found at a frequency of 0.0002 in 251060 control chromosomes. This frequency is not significantly higher than estimated for a pathogenic variant in MYO3A causing Autosomal Recessive Nonsyndromic Hearing Loss 30, allowing no conclusion about variant significance. To our knowledge, no occurrence of c.2506-1G>A in individuals affected with Autosomal Recessive Nonsyndromic Hearing Loss and no experimental evidence demonstrating its impact on protein function have been reported in the literature. ClinVar contains an entry for this variant (Variation ID: 288758). Based on the evidence outlined above, the variant was classified as likely pathogenic.

Victorian Clinical Genetics Services, Murdoch Childrens Research Institute
Classification: Uncertain significance for Autosomal recessive nonsyndromic hearing loss 30. Last evaluated: 2020-05-25. Review status: criteria provided, single submitter. Criteria: ACMG Guidelines, 2015. Collection method: clinical testing. Allele origin: germline.
Comment: Based on the classification scheme VCGS_Germline_v1.1.1, this variant is classified as 3A-VUS. Following criteria are met: 0102 - Loss-of-function is a known mechanism of disease for this gene. (N) 0108 - This gene is known to be associated with both recessive and dominant disease (OMIM, PMID: 29880844; 26841241). (N) 0211 - Canonical splice site variant without proven consequence on splicing (no functional evidence available) (intron 22). (P) 0251 - Variant is heterozygous. (N) 0304 - Variant is present in gnomAD <0.01 (49 heterozygotes, 0 homozygotes). (P) 0505 - Abnormal splicing is predicted by in silico tools and affected nucleotide is highly conserved. (P) 0705 - No comparable variants have previous evidence for pathogenicity. (N) 0803 - Low previous evidence of pathogenicity in unrelated individuals. This variant has been reported as pathogenic in heterozygotes, however it was unclear whether they had deafness (ClinVar, PMID: 31589614; 26046366). (P) 0905 - No segregation evidence has been identified for this variant. (N) 1007 - No published functional evidence has been identified for this variant. (N) 1208 - Inheritance information for this variant is not currently available. (N) Legend: (P) - Pathogenic, (N) - Neutral, (B) - Benign

Eurofins Ntd Llc (ga)
Classification: Pathogenic. Last evaluated: 2016-07-08. Review status: criteria provided, single submitter. Criteria: EGL Classification Definitions 2015. Collection method: clinical testing. Allele origin: germline. Observed: 2 variant alleles, 2 heterozygotes.

Literature cited by the submitters: PubMed 31589614 (cited by 3billion and Victorian Clinical Genetics Services, Murdoch Childrens Research Institute); PubMed 16199547 (cited by Labcorp Genetics (formerly Invitae), Labcorp); PubMed 12032315 (cited by Labcorp Genetics (formerly Invitae), Labcorp); PubMed 23990876 (cited by Labcorp Genetics (formerly Invitae), Labcorp); PubMed 26046366 (cited by Victorian Clinical Genetics Services, Murdoch Childrens Research Institute); PubMed 26841241 (cited by Victorian Clinical Genetics Services, Murdoch Childrens Research Institute); PubMed 29880844 (cited by Victorian Clinical Genetics Services, Murdoch Childrens Research Institute).